The following is an entry in ClinVar:

NM_006383.4(CIB2):c.526G>A (p.Ala176Thr)

Gene: CIB2 (calcium and integrin binding family member 2; minus strand). Cytogenetic location: 15q25.1.
Variant type: single nucleotide variant.
Coding change: c.526G>A on transcript NM_006383.4 (MANE Select); coding-DNA position 526, G replaced by A.
Protein change: p.Ala176Thr; replaces alanine 176 with threonine.
Molecular consequence: missense variant. On other transcripts: non-coding transcript variant (1).
Genome position (GRCh38, 1-based): chr15:78,105,755, C>T on the plus strand (G>A on the coding strand, the complement: CIB2 is on the minus strand). VCF-style: chr15-78105755-C-T. GRCh37 (hg19) VCF-style: chr15-78398097-C-T.
Other names: c.397G>A, p.Ala133Thr (NM_001271888.2); c.379G>A, p.Ala127Thr (NM_001271889.2); c.541G>A, p.Ala181Thr (NM_001301224.2); short protein forms A127T, A133T, A176T, A181T.
Identifiers: ClinVar variation 3767682 (VCV003767682.1).

ClinVar aggregate classification (germline): Uncertain significance (1 of 4 stars; one submission).

gnomAD v4.1: 6 of 1,614,138 alleles (0.00037%); highest among the groups gnomAD compares: Non-Finnish European, 0.00051%; no homozygotes.

Submission:

GeneDx
Classification: Uncertain significance. Last evaluated: 2024-09-09. Review status: criteria provided, single submitter. Criteria: GeneDx Variant Classification Process June 2021. Collection method: clinical testing. Allele origin: germline. Affected: yes.
Comment: Not observed at significant frequency in large population cohorts (gnomAD); In silico analysis supports that this missense variant has a deleterious effect on protein structure/function; Has not been previously published as pathogenic or benign to our knowledge